The following is an entry in ClinVar:

NM_000322.5(PRPH2):c.518A>G (p.Asp173Gly)

Gene: PRPH2 (peripherin 2; minus strand). Cytogenetic location: 6p21.1.
Variant type: single nucleotide variant.
Coding change: c.518A>G on transcript NM_000322.5 (MANE Select); coding-DNA position 518, A replaced by G.
Protein change: p.Asp173Gly; replaces aspartic acid 173 with glycine.
Molecular consequence: missense variant.
Genome position (GRCh38, 1-based): chr6:42,721,817, T>C on the plus strand (A>G on the coding strand, the complement: PRPH2 is on the minus strand). VCF-style: chr6-42721817-T-C. GRCh37 (hg19) VCF-style: chr6-42689555-T-C.
Other names: short protein forms D173G.
Identifiers: ClinVar variation 866675 (VCV000866675.3), dbSNP rs61755794, ClinGen allele CA364137382.
Genomic context (GRCh38, chr6:42,721,817, plus strand): 5'-TTGACTTCTTTGGAGGAAAAGTCCAGGTAGCGATTGCTGATCCACTGAATCTCAAACCAG[T>C]CCCGAAAACCGTTGTTGCCGCAGCATTTGAACTCGATCTGCAGCATGTCGATGGTCTTCT-3'
Protein context (NP_000313.2, residues 163-183): FKCCGNNGFR[Asp173Gly]WFEIQWISNR

ClinVar aggregate classification (germline): Likely pathogenic. Review status: criteria provided, multiple submitters, no conflicts (2 of 4 stars). 2 submissions from 2 submitters: Likely pathogenic (2). Last evaluated 2025-09-06.

Conditions:
PRPH2-related disorder. Also called: PRPH2-related condition; PRPH2-related disorders. Identifiers: MedGen CN239395.

Submissions (2):

Labcorp Genetics (formerly Invitae), Labcorp
Classification: Likely pathogenic for PRPH2-related disorder. Last evaluated: 2025-09-06. Review status: criteria provided, single submitter. Criteria: Invitae Variant Classification Sherloc (09022015). Collection method: clinical testing. Allele origin: germline.
Comment: This sequence change replaces aspartic acid, which is acidic and polar, with glycine, which is neutral and non-polar, at codon 173 of the PRPH2 protein (p.Asp173Gly). This variant is not present in population databases (gnomAD no frequency). This variant has not been reported in the literature in individuals affected with PRPH2-related conditions. ClinVar contains an entry for this variant (Variation ID: 866675). Invitae Evidence Modeling of protein sequence and biophysical properties (such as structural, functional, and spatial information, amino acid conservation, physicochemical variation, residue mobility, and thermodynamic stability) indicates that this missense variant is expected to disrupt PRPH2 protein function with a positive predictive value of 95%. This variant disrupts the p.Asp173 amino acid residue in PRPH2. Other variant(s) that disrupt this residue have been determined to be pathogenic (PMID: 31456290; internal data). This suggests that this residue is clinically significant, and that variants that disrupt this residue are likely to be disease-causing. In summary, the currently available evidence indicates that the variant is pathogenic, but additional data are needed to prove that conclusively. Therefore, this variant has been classified as Likely Pathogenic.

Blueprint Genetics
Classification: Likely pathogenic for PRPH2-related disorders. Last evaluated: 2021-07-26. Review status: criteria provided, single submitter. Criteria: ACMG Guidelines, 2015. Collection method: clinical testing. Allele origin: germline. Affected: yes. Observed: 2 variant alleles.

Literature cited by the submitters: PubMed 31456290 (cited by Labcorp Genetics (formerly Invitae), Labcorp).